The following is an entry in ClinVar:

NM_001754.5(RUNX1):c.614-15T>C

Gene: RUNX1 (RUNX family transcription factor 1; minus strand). Cytogenetic location: 21q22.12.
Variant type: single nucleotide variant.
Coding change: c.614-15T>C on transcript NM_001754.5 (MANE Select); 15 bases into the intron before coding-DNA position 614, T replaced by C.
Molecular consequence: intron variant.
Genome position (GRCh38, 1-based): chr21:34,834,616, A>G on the plus strand (T>C on the coding strand, the complement: RUNX1 is on the minus strand). VCF-style: chr21-34834616-A-G. GRCh37 (hg19) VCF-style: chr21-36206913-A-G.
Other names: c.533-15T>C (NM_001001890.3, NM_001122607.2).
Identifiers: ClinVar variation 2019536 (VCV002019536.5), dbSNP rs564456304, ClinGen allele CA320603756.

ClinVar aggregate classification (germline): Likely benign. Review status: reviewed by expert panel (3 of 4 stars). 2 submissions from 2 submitters: Likely benign (1). 1 of the submissions does not count toward it. Last evaluated 2024-11-04.

Conditions:
Hereditary thrombocytopenia and hematological cancer predisposition syndrome associated with RUNX1. Also called: Familial Platelet Disorder with Propensity to Acute Myelogenous Leukemia; Familial thrombocytopenia with propensity to acute myelogenous leukemia; PLATELET DISORDER, ASPIRIN-LIKE; RUNX1 Familial Platelet Disorder with Associated Myeloid Malignancies. Identifiers: Orphanet 71290, MedGen C1832388, MeSH C563324, MONDO:0100083, OMIM 601399.
Hereditary thrombocytopenia and hematologic cancer predisposition syndrome. Identifiers: Orphanet 71290, MedGen CN281654, MONDO:0011071.

Allele frequency attached by ClinVar (database versions not stated): 1000 Genomes Project 0.00060.

Submissions (2):

ClinGen Myeloid Malignancy Variant Curation Expert Panel
Classification: Likely benign for Hereditary thrombocytopenia and hematologic cancer predisposition syndrome. Last evaluated: 2024-11-04. Review status: reviewed by expert panel. Criteria: ClinGen MyeloMalig ACMG Specifications v2. Collection method: curation. Allele origin: germline. Inheritance: Autosomal dominant inheritance.
Comment: NM_001754.5(RUNX1):c.614-15T>C is an intronic variant which has not been featured in functional or case studies. Computational data has been used to evaluate this variant. It has a SpliceAI score of 0 and a PhyloP score of 1.47, allowing for the application of both BP4 and BP7. In summary, this variant meets criteria to be classified as likely benign. ACMG/AMP criteria applied, as specified by the Myeloid Malignancy Variant Curation Expert Panel for RUNX1: BP4, BP7.

Labcorp Genetics (formerly Invitae), Labcorp
Classification: Likely benign for Hereditary thrombocytopenia and hematological cancer predisposition syndrome associated with RUNX1. Last evaluated: 2022-07-25. Review status: criteria provided, single submitter. Criteria: Invitae Variant Classification Sherloc (09022015). Collection method: clinical testing. Allele origin: germline. Not counted in ClinVar's aggregate classification.